The following is an entry in ClinVar:

ClinVar aggregate classification (germline): Conflicting classifications of pathogenicity. Review status: criteria provided, conflicting classifications (1 of 4 stars). 3 submissions from 3 submitters: Uncertain significance (2); Likely benign (1). Last evaluated 2025-12-18.

Conditions:
Hereditary cancer-predisposing syndrome. Also called: Neoplastic Syndromes, Hereditary; Hereditary neoplastic syndrome; Tumor predisposition; Hereditary Cancer Syndrome. Identifiers: Orphanet 140162, MedGen C0027672, MeSH D009386, MONDO:0015356.
Hereditary breast ovarian cancer syndrome. Also called: Hereditary breast and/or ovarian cancer syndrome; Breast and ovarian cancer; Hereditary breast and ovarian cancer; Hereditary breast and ovarian cancer syndrome (HBOC); Hereditary breast and ovarian cancer syndrome; BRCA1- and BRCA2-Associated Hereditary Breast and Ovarian Cancer. Identifiers: Orphanet 145, MedGen C0677776, MeSH D061325, MONDO:0003582. Disease mechanism: loss of function.

Submissions (3):

Ambry Genetics
Classification: Uncertain significance for Hereditary cancer-predisposing syndrome. Last evaluated: 2025-12-18. Review status: criteria provided, single submitter. Criteria: Ambry Variant Classification Scheme 2023. Collection method: clinical testing. Allele origin: germline.
Comment: The p.S390P variant (also known as c.1168T>C), located in coding exon 9 of the BRCA2 gene, results from a T to C substitution at nucleotide position 1168. The serine at codon 390 is replaced by proline, an amino acid with similar properties. This amino acid position is well conserved in available vertebrate species. In addition, this alteration is predicted to be tolerated by in silico analysis. Based on the available evidence, the clinical significance of this variant remains unclear.

Labcorp Genetics (formerly Invitae), Labcorp
Classification: Uncertain significance for Hereditary breast ovarian cancer syndrome. Last evaluated: 2024-03-12. Review status: criteria provided, single submitter. Criteria: Invitae Variant Classification Sherloc (09022015). Collection method: clinical testing. Allele origin: germline.
Comment: This sequence change replaces serine, which is neutral and polar, with proline, which is neutral and non-polar, at codon 390 of the BRCA2 protein (p.Ser390Pro). This variant is not present in population databases (gnomAD no frequency). This variant has not been reported in the literature in individuals affected with BRCA2-related conditions. ClinVar contains an entry for this variant (Variation ID: 575172). Advanced modeling of protein sequence and biophysical properties (such as structural, functional, and spatial information, amino acid conservation, physicochemical variation, residue mobility, and thermodynamic stability) performed at Invitae indicates that this missense variant is not expected to disrupt BRCA2 protein function with a negative predictive value of 95%. In summary, the available evidence is currently insufficient to determine the role of this variant in disease. Therefore, it has been classified as a Variant of Uncertain Significance.

University of Washington Department of Laboratory Medicine, University of Washington
Classification: Likely benign for Hereditary cancer-predisposing syndrome. Last evaluated: 2023-03-23. Review status: criteria provided, single submitter. Criteria: Dines et al. (Genet Med. 2020). Collection method: curation. Allele origin: germline.
Comment: Missense variant in a coldspot region where missense variants are very unlikely to be pathogenic (PMID:31911673).

BRCA2 exon 10 coldspot. Reclassification based on statistical prior probability.

NM_000059.4(BRCA2):c.1168T>C (p.Ser390Pro)

Gene: BRCA2 (BRCA2 DNA repair associated; plus strand). Cytogenetic location: 13q13.1.
Variant type: single nucleotide variant.
Coding change: c.1168T>C on transcript NM_000059.4 (MANE Select); coding-DNA position 1168, T replaced by C.
Protein change: p.Ser390Pro; replaces serine 390 with proline.
Molecular consequence: missense variant.
Genome position (GRCh38, 1-based): chr13:32,332,646, T>C. VCF-style: chr13-32332646-T-C. GRCh37 (hg19) VCF-style: chr13-32906783-T-C.
Other names: short protein forms S390P.
Identifiers: ClinVar variation 575172 (VCV000575172.11), dbSNP rs1566222903, ClinGen allele CA387761942.